The following is an entry in ClinVar:

NM_007294.4(BRCA1):c.548G>C (p.Gly183Ala)

Gene: BRCA1 (BRCA1 DNA repair associated; minus strand). Cytogenetic location: 17q21.31.
Variant type: single nucleotide variant.
Coding change: c.548G>C on transcript NM_007294.4 (MANE Select); coding-DNA position 548, G replaced by C.
Protein change: p.Gly183Ala; replaces glycine 183 with alanine.
Molecular consequence: missense variant. On other transcripts: non-coding transcript variant (1).
Genome position (GRCh38, 1-based): chr17:43,097,289, C>G on the plus strand (G>C on the coding strand, the complement: BRCA1 is on the minus strand). VCF-style: chr17-43097289-C-G. GRCh37 (hg19) VCF-style: chr17-41249306-C-G.
Other names: c.545G>C, p.Gly182Ala (NM_001407614.1, NM_001407615.1, NM_001407627.1 and 41 more transcripts); c.548G>C, p.Gly183Ala (NM_001407616.1, NM_001407617.1, NM_001407618.1 and 59 more transcripts); c.470G>C, p.Gly157Ala (NM_001407657.1, NM_001407658.1, NM_001407653.1 and 9 more transcripts); c.467G>C, p.Gly156Ala (NM_001407659.1, NM_001407660.1, NM_001407661.1 and 3 more transcripts); c.539G>C, p.Gly180Ala (NM_001407646.1, NM_001407647.1, NM_001408408.1); c.335G>C, p.Gly112Ala (NM_001407571.1, NM_001407853.1, NM_001407894.1 and 12 more transcripts); c.407G>C, p.Gly136Ala (NM_001407692.1, NM_001407694.1, NM_001407695.1 and 43 more transcripts); c.404G>C, p.Gly135Ala (NM_001407740.1, NM_001407741.1, NM_001407742.1 and 26 more transcripts); and 4 more; short protein forms G135A, G138A, G157A, G180A, G56A, G112A, G113A, G183A.
Identifiers: ClinVar variation 1992535 (VCV001992535.4), dbSNP rs1555594081, ClinGen allele CA10601029.

ClinVar aggregate classification (germline): Uncertain significance (1 of 4 stars; one submission).

Conditions:
Hereditary breast ovarian cancer syndrome. Also called: BRCA1- and BRCA2-Associated Hereditary Breast and Ovarian Cancer; Hereditary breast and ovarian cancer; Hereditary breast and ovarian cancer syndrome (HBOC); Hereditary breast and/or ovarian cancer syndrome; Hereditary breast and ovarian cancer syndrome; Breast and ovarian cancer. Identifiers: Orphanet 145, MedGen C0677776, MeSH D061325, MONDO:0003582. Disease mechanism: loss of function.

Submission:

Labcorp Genetics (formerly Invitae), Labcorp
Classification: Uncertain significance for Hereditary breast ovarian cancer syndrome. Last evaluated: 2022-05-09. Review status: criteria provided, single submitter. Criteria: Invitae Variant Classification Sherloc (09022015). Collection method: clinical testing. Allele origin: germline.
Comment: In summary, the available evidence is currently insufficient to determine the role of this variant in disease. Therefore, it has been classified as a Variant of Uncertain Significance. Algorithms developed to predict the effect of sequence changes on RNA splicing suggest that this variant may disrupt the consensus splice site. Algorithms developed to predict the effect of missense changes on protein structure and function are either unavailable or do not agree on the potential impact of this missense change (SIFT: "Tolerated"; PolyPhen-2: "Possibly Damaging"; Align-GVGD: "Class C0"). This variant has not been reported in the literature in individuals affected with BRCA1-related conditions. This variant is not present in population databases (gnomAD no frequency). This sequence change replaces glycine, which is neutral and non-polar, with alanine, which is neutral and non-polar, at codon 183 of the BRCA1 protein (p.Gly183Ala).